The following is an entry in ClinVar:

ClinVar aggregate classification (germline): Uncertain significance (1 of 4 stars; one submission).

Conditions:
Hajdu-Cheney syndrome (HJCYS). Also called: Acroosteolysis dominant type; ACROOSTEOLYSIS WITH OSTEOPOROSIS AND CHANGES IN SKULL AND MANDIBLE; SERPENTINE FIBULA-POLYCYSTIC KIDNEY SYNDROME. Identifiers: Orphanet 955, MedGen C0917715, MONDO:0007057, OMIM 102500.

gnomAD v4.1: 4 of 1,531,568 alleles (0.00026%); highest among the groups gnomAD compares: African/African-American, 0.0027%; no homozygotes.

Submission:

Labcorp Genetics (formerly Invitae), Labcorp
Classification: Uncertain significance for Hajdu-Cheney syndrome. Last evaluated: 2021-05-08. Review status: criteria provided, single submitter. Criteria: Invitae Variant Classification Sherloc (09022015). Collection method: clinical testing. Allele origin: germline.
Comment: This sequence change falls in intron 12 of the NOTCH2 gene. It does not directly change the encoded amino acid sequence of the NOTCH2 protein. It affects a nucleotide within the consensus splice site of the intron. This variant is present in population databases (rs587731563, ExAC 0.01%). This variant has not been reported in the literature in individuals with NOTCH2-related conditions. Nucleotide substitutions within the consensus splice site are a relatively common cause of aberrant splicing (PMID: 17576681, 9536098). Algorithms developed to predict the effect of sequence changes on RNA splicing suggest that this variant is not likely to affect RNA splicing, but this prediction has not been confirmed by published transcriptional studies. In summary, the available evidence is currently insufficient to determine the role of this variant in disease. Therefore, it has been classified as a Variant of Uncertain Significance.

Literature cited by the submitters: PubMed 17576681; PubMed 9536098.

NM_024408.4(NOTCH2):c.2026+6G>A

Gene: NOTCH2 (notch receptor 2; minus strand). Cytogenetic location: 1p12.
Variant type: single nucleotide variant.
Coding change: c.2026+6G>A on transcript NM_024408.4 (MANE Select); 6 bases into the intron after coding-DNA position 2026, G replaced by A.
Molecular consequence: intron variant.
Genome position (GRCh38, 1-based): chr1:119,959,386, C>T on the plus strand (G>A on the coding strand, the complement: NOTCH2 is on the minus strand). VCF-style: chr1-119959386-C-T. GRCh37 (hg19) VCF-style: chr1-120502009-C-T.
Other names: c.2026+6G>A (NM_001200001.2).
Identifiers: ClinVar variation 1442448 (VCV001442448.6), dbSNP rs587731563, ClinGen allele CA1040412.
Genomic context (GRCh38, chr1:119,959,386, plus strand): 5'-CTTTGGATGCTATATTCCCAAAGTGATAGGGCTGAAGGAGGGGCCTTGCAGTAAAAGGAG[C>T]TTTACCTGTGAATCCTGGTGAGCAGACACAACTGTAGCGATTAATGCCATCCATACAGAT-3'